The following is an entry in ClinVar:

ClinVar aggregate classification (germline): Uncertain significance (1 of 4 stars; one submission).

Conditions:
Myofibrillar myopathy 5. Also called: FILAMINOPATHY, AUTOSOMAL DOMINANT; Filaminopathy (type). Identifiers: Orphanet 171445, MedGen C1836050, MONDO:0012289, OMIM 609524.
Distal myopathy with posterior leg and anterior hand involvement. Also called: WILLIAMS DISTAL MYOPATHY. Identifiers: Orphanet 63273, MedGen C3279722, MONDO:0013550, OMIM 614065.
Hypertrophic cardiomyopathy 26. Also called: Cardiomyopathy, familial hypertrophic, 26. Identifiers: Orphanet 75249, MedGen C4310749, MONDO:0014883, OMIM 617047.

Submission:

Labcorp Genetics (formerly Invitae), Labcorp
Classification: Uncertain significance for Distal myopathy with posterior leg and anterior hand involvement; Myofibrillar myopathy 5; Hypertrophic cardiomyopathy 26. Last evaluated: 2020-10-15. Review status: criteria provided, single submitter. Criteria: Invitae Variant Classification Sherloc (09022015). Collection method: clinical testing. Allele origin: germline.
Comment: In summary, the available evidence is currently insufficient to determine the role of this variant in disease. Therefore, it has been classified as a Variant of Uncertain Significance. Algorithms developed to predict the effect of missense changes on protein structure and function are either unavailable or do not agree on the potential impact of this missense change (SIFT: "Deleterious"; PolyPhen-2: "Probably Damaging"; Align-GVGD: "Class C0"). This variant has not been reported in the literature in individuals with FLNC-related conditions. This variant is not present in population databases (ExAC no frequency). This sequence change replaces threonine with isoleucine at codon 1961 of the FLNC protein (p.Thr1961Ile). The threonine residue is highly conserved and there is a moderate physicochemical difference between threonine and isoleucine.

NM_001458.5(FLNC):c.5882C>T (p.Thr1961Ile)

Genes: FLNC (filamin C; plus strand), FLNC-AS1 (FLNC antisense RNA 1; minus strand). Cytogenetic location: 7q32.1.
Variant type: single nucleotide variant.
Coding change: c.5882C>T on transcript NM_001458.5 (MANE Select); coding-DNA position 5882, C replaced by T.
Protein change: p.Thr1961Ile; replaces threonine 1961 with isoleucine.
Molecular consequence: missense variant.
Genome position (GRCh38, 1-based): chr7:128,852,630, C>T. VCF-style: chr7-128852630-C-T. GRCh37 (hg19) VCF-style: chr7-128492684-C-T.
Other names: c.5783C>T, p.Thr1928Ile (NM_001127487.2); short protein forms T1928I, T1961I.
Identifiers: ClinVar variation 951290 (VCV000951290.10), dbSNP rs1808867682, ClinGen allele CA369209001.